The following is an entry in ClinVar:

NM_032638.5(GATA2):c.1038C>T (p.Gly346=)

Gene: GATA2 (GATA binding protein 2; minus strand). Cytogenetic location: 3q21.3.
Variant type: single nucleotide variant.
Coding change: c.1038C>T on transcript NM_032638.5 (MANE Select); coding-DNA position 1038, C replaced by T.
Protein change: p.Gly346=; no amino-acid change (glycine 346 retained).
Molecular consequence: synonymous variant. On other transcripts: intron variant (1).
Genome position (GRCh38, 1-based): chr3:128,481,924, G>A on the plus strand (C>T on the coding strand, the complement: GATA2 is on the minus strand). VCF-style: chr3-128481924-G-A. GRCh37 (hg19) VCF-style: chr3-128200767-G-A.
Other names: c.1038C>T (NM_001145661.1); c.1038C>T, p.Gly346= (NM_001145661.2); c.1018-22C>T (NM_001145662.1).
Identifiers: ClinVar variation 472430 (VCV000472430.14), dbSNP rs1175250743, ClinGen allele CA435525610.

ClinVar aggregate classification (germline): Likely benign. Review status: criteria provided, multiple submitters, no conflicts (2 of 4 stars). 3 submissions from 3 submitters: Likely benign (2). 1 of the submissions does not count toward it. Last evaluated 2024-12-22.

Conditions:
Inborn genetic diseases. Identifiers: MedGen C0950123, MeSH D030342.
Monocytopenia with susceptibility to infections. Also called: MONOCYTOPENIA AND MYCOBACTERIAL INFECTION SYNDROME; MONOCYTOPENIA WITH SUSCEPTIBILITY TO MYCOBACTERIAL, FUNGAL, AND PAPILLOMAVIRUS INFECTIONS AND MYELODYSPLASIA; COMBINED IMMUNODEFICIENCY WITH SUSCEPTIBILITY TO MYCOBACTERIAL, VIRAL, AND FUNGAL INFECTIONS; Dendritic cell, monocyte, B lymphocyte, and natural killer lymphocyte deficiency; IMMUNODEFICIENCY 21; GATA2 DEFICIENCY. Identifiers: Orphanet 228423, MedGen C3280030, MONDO:0013607, OMIM 614172.
Deafness-lymphedema-leukemia syndrome. Also called: Lymphedema, primary, with myelodysplasia; Emberger syndrome. Identifiers: Orphanet 3226, MedGen C3279664, MONDO:0013540, OMIM 614038.
GATA2-related disorder. Also called: GATA2-Related Disorders; GATA2-related condition.

Allele frequency attached by ClinVar (database versions not stated): gnomAD exomes below 0.00001; gnomAD 0.00001; TOPMed 0.00001.
gnomAD v4.1: 4 of 1,613,748 alleles (0.00025%); highest among the groups gnomAD compares: African/African-American, 0.0027%; no homozygotes.

Submissions (3):

Ambry Genetics
Classification: Likely benign for Inborn genetic diseases. Last evaluated: 2024-12-22. Review status: criteria provided, single submitter. Criteria: Ambry Variant Classification Scheme 2023. Collection method: clinical testing. Allele origin: germline.

Labcorp Genetics (formerly Invitae), Labcorp
Classification: Likely benign for Monocytopenia with susceptibility to infections; Deafness-lymphedema-leukemia syndrome. Last evaluated: 2024-06-11. Review status: criteria provided, single submitter. Criteria: Invitae Variant Classification Sherloc (09022015). Collection method: clinical testing. Allele origin: germline.

PreventionGenetics, part of Exact Sciences
Classification: Likely benign for GATA2-related condition. Last evaluated: 2020-10-06. Review status: no assertion criteria provided. Collection method: clinical testing. Allele origin: germline. Not counted in ClinVar's aggregate classification.
Comment: This variant is classified as likely benign based on ACMG/AMP sequence variant interpretation guidelines (Richards et al. 2015 PMID: 25741868, with internal and published modifications).